The following is an entry in ClinVar:

NM_207361.6(FREM2):c.3983T>C (p.Met1328Thr)

Gene: FREM2 (FRAS1 related extracellular matrix 2; plus strand). Cytogenetic location: 13q13.3.
Variant type: single nucleotide variant.
Coding change: c.3983T>C on transcript NM_207361.6 (MANE Select); coding-DNA position 3983, T replaced by C.
Protein change: p.Met1328Thr; replaces methionine 1328 with threonine.
Molecular consequence: missense variant.
Genome position (GRCh38, 1-based): chr13:38,691,327, T>C. VCF-style: chr13-38691327-T-C. GRCh37 (hg19) VCF-style: chr13-39265464-T-C.
Other names: short protein forms M1328T.
Identifiers: ClinVar variation 311970 (VCV000311970.9), dbSNP rs780268243, ClinGen allele CA6954894.
Genomic context (GRCh38, chr13:38,691,327, plus strand): 5'-TCAATAATGGACTAGAAATAGAAATTGGGGATACCAAGATTATCAACAACAAAATATTAA[T>C]GGCAACAGATTTAGATTCAGAAGACAAATCTTTGGTTTATATTATTCGTTATGGGCCAGG-3'
Protein context (NP_997244.4, residues 1318-1338): DTKIINNKIL[Met1328Thr]ATDLDSEDKS

ClinVar aggregate classification (germline): Conflicting classifications of pathogenicity. Review status: criteria provided, conflicting classifications (1 of 4 stars). 3 submissions from 3 submitters: Uncertain significance (2); Likely benign (1). Last evaluated 2026-01-24.

Conditions:
Fraser syndrome 2 (FRASRS2). Identifiers: MedGen C4540036, MONDO:0054738, OMIM 617666.

Allele frequency attached by ClinVar (database versions not stated): gnomAD below 0.00001 and 0.00001; TOPMed below 0.00001.

Submissions (3):

GeneDx
Classification: Uncertain significance. Last evaluated: 2026-01-24. Review status: criteria provided, single submitter. Criteria: GeneDx Variant Classification Process June 2021. Collection method: clinical testing. Allele origin: germline.
Comment: In silico analysis suggests that this missense variant does not alter protein structure/function; Has not been previously published as pathogenic or benign to our knowledge

Labcorp Genetics (formerly Invitae), Labcorp
Classification: Likely benign. Last evaluated: 2024-03-14. Review status: criteria provided, single submitter. Criteria: Invitae Variant Classification Sherloc (09022015). Collection method: clinical testing. Allele origin: germline.

Illumina Laboratory Services, Illumina
Classification: Uncertain significance for Fraser syndrome 2. Last evaluated: 2018-01-12. Review status: criteria provided, single submitter. Criteria: ICSL Variant Classification Criteria 13 December 2019. Collection method: clinical testing. Allele origin: germline.